The following is an entry in ClinVar:

ClinVar aggregate classification (germline): Uncertain significance (1 of 4 stars; one submission).

Conditions:
Congenital myasthenic syndrome 2A. Also called: Myasthenic syndrome, congenital, 2a, slow-channel. Identifiers: Orphanet 590, MedGen C4225374, MONDO:0014581, OMIM 616313.

gnomAD v4.1: 4 of 1,610,486 alleles (0.00025%); highest among the groups gnomAD compares: Non-Finnish European, 0.00034%; no homozygotes.

Submission:

Labcorp Genetics (formerly Invitae), Labcorp
Classification: Uncertain significance for Congenital myasthenic syndrome 2A. Last evaluated: 2025-11-01. Review status: criteria provided, single submitter. Criteria: Invitae Variant Classification Sherloc (09022015). Collection method: clinical testing. Allele origin: germline.
Comment: This sequence change replaces glycine, which is neutral and non-polar, with arginine, which is basic and polar, at codon 20 of the CHRNB1 protein (p.Gly20Arg). This variant also falls at the last nucleotide of exon 1, which is part of the consensus splice site for this exon. This variant is present in population databases (no rsID available, gnomAD 0.003%). This variant has not been reported in the literature in individuals affected with CHRNB1-related conditions. An algorithm developed to predict the effect of missense changes on protein structure and function (PolyPhen-2) suggests that this variant is likely to be tolerated. Variants that disrupt the consensus splice site are a relatively common cause of aberrant splicing (PMID: 17576681, 9536098). Algorithms developed to predict the effect of sequence changes on RNA splicing suggest that this variant may disrupt the consensus splice site. In summary, the available evidence is currently insufficient to determine the role of this variant in disease. Therefore, it has been classified as a Variant of Uncertain Significance.

Literature cited by the submitters: PubMed 17576681; PubMed 9536098.

NM_000747.3(CHRNB1):c.58G>C (p.Gly20Arg)

Gene: CHRNB1 (cholinergic receptor nicotinic beta 1 subunit; plus strand). Cytogenetic location: 17p13.1.
Variant type: single nucleotide variant.
Coding change: c.58G>C on transcript NM_000747.3 (MANE Select); coding-DNA position 58, G replaced by C.
Protein change: p.Gly20Arg; replaces glycine 20 with arginine.
Molecular consequence: missense variant.
Genome position (GRCh38, 1-based): chr17:7,445,185, G>C. VCF-style: chr17-7445185-G-C. GRCh37 (hg19) VCF-style: chr17-7348504-G-C.
Other names: short protein forms G20R.
Identifiers: ClinVar variation 4767892 (VCV004767892.1).